The following is an entry in ClinVar:

ClinVar aggregate classification (germline): Pathogenic/Likely pathogenic. Review status: criteria provided, multiple submitters, no conflicts (2 of 4 stars). 26 submissions from 26 submitters: Pathogenic (18); Likely pathogenic (1). 7 of the submissions do not count toward it. Last evaluated 2026-03-17.

Conditions:
MMAA-related disorder. Also called: MMAA-related condition.
Methylmalonic acidemia (MMA). Also called: Isolated Methylmalonic Acidemia. Identifiers: MedGen C0268583, MeSH C537358, MONDO:0002012, HP:0002912.
Methylmalonic aciduria, cblA type (MACA). Also called: Methylmalonic aciduria, vitamin B12-responsive; Methylmalonic aciduria, vitamin b12-responsive, due to defect in synthesis of adenosylcobalamin, cbla complementation type; MMA cbl A type; Methylmalonic acidemia cblA type; Vitamin B12-responsive methylmalonic acidemia type cblA. Identifiers: Orphanet 28, Orphanet 79310, MedGen C1855109, MONDO:0009613, OMIM 251100.

Allele frequency attached by ClinVar (database versions not stated): TOPMed 0.00019; gnomAD exomes 0.00041 and 0.00016; gnomAD 0.00017; ExAC 0.00016.

Submissions 1 to 16 of 26:

PreventionGenetics, part of Exact Sciences
Classification: Pathogenic for MMAA-related condition. Last evaluated: 2026-03-17. Review status: criteria provided, single submitter. Criteria: ACMG Guidelines, 2015. Collection method: clinical testing. Allele origin: germline.
Comment: The MMAA c.433C>T variant is predicted to result in premature protein termination (p.Arg145*). This variant is one of the most commonly reported variants causative for methylmalonic acidemia, cblA type (for example, see Lerner-Ellis et al. 2004. PubMed ID: 15523652; Yang et al. 2004. PubMed ID: 15308131; Hörster et al. 2020. PubMed ID: 32754920). This variant is reported in 0.026% of alleles in individuals of European (Non-Finnish) descent in gnomAD. Nonsense variants in MMAA are expected to be pathogenic. Taken together, this variant is interpreted as pathogenic.

Labcorp Genetics (formerly Invitae), Labcorp
Classification: Pathogenic for Methylmalonic aciduria, cblA type. Last evaluated: 2026-02-02. Review status: criteria provided, single submitter. Criteria: Invitae Variant Classification Sherloc (09022015). Collection method: clinical testing. Allele origin: germline.
Comment: This sequence change creates a premature translational stop signal (p.Arg145*) in the MMAA gene. It is expected to result in an absent or disrupted protein product. Loss-of-function variants in MMAA are known to be pathogenic (PMID: 15523652, 15781192). This variant is present in population databases (rs104893851, gnomAD 0.02%). This premature translational stop signal has been observed in individuals with methylmalonic aciduria due to cobalamin A deficiency (PMID: 15308131, 15523652, 16247646, 17957493, 23026888, 26270765, 27591164). ClinVar contains an entry for this variant (Variation ID: 3160). For these reasons, this variant has been classified as Pathogenic.

Natera, Inc.
Classification: Pathogenic for Methylmalonic aciduria cblA type. Last evaluated: 2025-09-29. Review status: criteria provided, single submitter. Criteria: Natera Variant Classification Schema (03/2026). Collection method: clinical testing. Allele origin: germline.
Comment: The c.433C>T variant in MMAA is a nonsense variant predicted to introduce a stop codon at amino acid 145. This variant is expected to result in nonsense mediated decay, truncation, or a dysfunctional protein product. This variant is rare in the general population with a frequency below the threshold expected for the associated phenotype(s). This variant has been observed in one or more individuals affected with the associated recessive disease, as either homozygous or compound heterozygous with a second variant (PMID: 15523652). Given the available evidence, this variant is classified as Pathogenic.

CeGaT Center for Human Genetics Tuebingen
Classification: Pathogenic. Last evaluated: 2024-12-01. Review status: criteria provided, single submitter. Criteria: CeGaT Center For Human Genetics Tuebingen Variant Classification Criteria Version 2. Collection method: clinical testing. Allele origin: germline. Affected: yes. Observed: 3 variant alleles.
Comment: MMAA: PM3:Very Strong, PVS1, PM2:Supporting

Mayo Clinic Laboratories, Mayo Clinic
Classification: Pathogenic. Last evaluated: 2024-11-26. Review status: criteria provided, single submitter. Criteria: ACMG Guidelines, 2015. Collection method: clinical testing. Allele origin: germline. Observed: 1 variant allele.
Comment: PVS1

Department of Human Genetics, Hannover Medical School
Classification: Pathogenic for Methylmalonic aciduria, cblA type. Last evaluated: 2024-10-15. Review status: criteria provided, single submitter. Criteria: ACMG Guidelines, 2015. Collection method: clinical testing. Allele origin: germline. Inheritance: Autosomal recessive inheritance. Affected: yes.
Comment: ACMG: PVS1, PM2_Supporting, PM3_VeryStrong, PP4

Revvity Omics, Revvity
Classification: Pathogenic for Methylmalonic aciduria, cblA type. Last evaluated: 2024-09-24. Review status: criteria provided, single submitter. Criteria: ACMG Guidelines, 2015. Collection method: clinical testing. Allele origin: germline.

Blueprint Genetics
Classification: Pathogenic for MMAA-related disorders. Last evaluated: 2024-05-06. Review status: criteria provided, single submitter. Criteria: ACMG Guidelines, 2015. Collection method: clinical testing. Allele origin: germline. Affected: yes. Observed: 5 variant alleles.

Fulgent Genetics
Classification: Pathogenic for Methylmalonic aciduria, cblA type. Last evaluated: 2024-01-16. Review status: criteria provided, single submitter. Criteria: ACMG Guidelines, 2015. Collection method: clinical testing. Allele origin: germline.

Illumina Laboratory Services, Illumina
Classification: Pathogenic. Last evaluated: 2022-11-04. Review status: criteria provided, single submitter. Criteria: ICSL CNVClassificationCriteria Aug2020. Collection method: clinical testing. Allele origin: unknown. Affected: yes.
Comment: The MMAA c.433C>T (p.Arg145Ter) nonsense variant results in the substitution of arginine at amino acid position 145 with a stop codon. Loss of normal protein function through either protein truncation or nonsense-mediated mRNA decay is expected. Across a selection of the available literature, the c.433C>T variant was identified in a homozygous state in at least 13 individuals, and in a compound heterozygous state in at least 15 individuals with methylmalonic aciduria (PMID: 15523652; PMID: 22614770; PMID: 35618652). The c.433C>T variant is reported at a frequency of 0.000353 in the European (non-Finnish) population of the Genome Aggregation Database (version 3.1.2). Based on the available evidence, the c.433C>T (p.Arg145Ter) variant is classified as pathogenic for methylmalonic aciduria, cblA type.

Centre of Medical Genetics, University Hospital Muenster
Classification: Pathogenic. Last evaluated: 2022-10-10. Review status: criteria provided, single submitter. Criteria: ACMG Guidelines, 2015. Collection method: clinical testing. Allele origin: unknown. Affected: yes. Observed: 1 variant allele, 1 homozygote.
Comment: ACMG categories: PVS1,PS1,PS4

GeneDx
Classification: Pathogenic. Last evaluated: 2022-05-18. Review status: criteria provided, single submitter. Criteria: GeneDx Variant Classification Process June 2021. Collection method: clinical testing. Allele origin: germline. Affected: yes.
Comment: Nonsense variant predicted to result in protein truncation or nonsense mediated decay in a gene for which loss-of-function is a known mechanism of disease; This variant is associated with the following publications: (PMID: 15781192, 24095221, 16247646, 26270765, 17957493, 28497574, 26370686, 25087612, 27591164, 30609409, 30712249, 31589614, 32754920, 15523652, 23026888, 15308131)

Greenwood Genetic Center Diagnostic Laboratories, Greenwood Genetic Center
Classification: Pathogenic for Methylmalonic aciduria, cblA type. Last evaluated: 2022-01-11. Review status: criteria provided, single submitter. Criteria: ACMG Guidelines, 2015. Collection method: clinical testing. Allele origin: germline. Affected: yes.
Comment: PVS1, PM3_Strong

Myriad Genetics, Inc.
Classification: Pathogenic for Methylmalonic aciduria, cblA type. Last evaluated: 2019-12-20. Review status: criteria provided, single submitter. Criteria: Myriad Women's Health Autosomal Recessive and X-Linked Classification Criteria (2019). Collection method: clinical testing. Allele origin: unknown.
Comment: NM_172250.2(MMAA):c.433C>T(R145*) is classified as pathogenic in the context of methylmalonic acidemia, cblA type. Sources cited for classification include the following: PMID 15523652. Classification of NM_172250.2(MMAA):c.433C>T(R145*) is based on the following criteria: The variant causes a premature termination codon that is expected to be targeted by nonsense-mediated mRNA decay and is reported in individuals with the relevant phenotype. Please note: this variant was assessed in the context of healthy population screening.

Knight Diagnostic Laboratories, Oregon Health and Sciences University
Classification: Likely pathogenic for Methylmalonic aciduria, vitamin B12-responsive. Last evaluated: 2019-03-21. Review status: criteria provided, single submitter. Criteria: ACMG Guidelines, 2015. Collection method: clinical testing. Allele origin: germline. Observed: 1 variant allele.

Genetic Services Laboratory, University of Chicago
Classification: Pathogenic. Last evaluated: 2019-03-05. Review status: criteria provided, single submitter. Criteria: ACMG Guidelines, 2015. Collection method: clinical testing. Allele origin: germline. Affected: yes.
Comment: DNA sequence analysis of the MMAA gene demonstrated a sequence change, c.433C>T, which results in the creation of a premature stop codon at amino acid position 145, p.Arg145*. This pathogenic sequence change is predicted to result in an abnormal transcript, which may be degraded, or may lead to the production of a truncated MMAA protein with potentially abnormal function. This sequence change has previously been described in multiple individuals with methylmalonic acidemia in a homozygous or a compound heterozygous state (PMIDs: 15308131, 15523652, 23026888). This sequence change has been described in the gnomAD database with a low population frequency of 0.016% (dbSNP rs104893851).

NM_172250.3(MMAA):c.433C>T (p.Arg145Ter)

Gene: MMAA (metabolism of cobalamin associated A; plus strand). Cytogenetic location: 4q31.21.
Variant type: single nucleotide variant.
Coding change: c.433C>T on transcript NM_172250.3 (MANE Select); coding-DNA position 433, C replaced by T.
Protein change: p.Arg145Ter; replaces arginine 145 with a stop codon.
Molecular consequence: nonsense.
Genome position (GRCh38, 1-based): chr4:145,639,572, C>T. VCF-style: chr4-145639572-C-T. GRCh37 (hg19) VCF-style: chr4-146560724-C-T.
Other names: rs104893851; p.R145*:CGA>TGA; p.Arg145*; short protein forms R145*.
Identifiers: ClinVar variation 3160 (VCV000003160.65), dbSNP rs104893851, ClinGen allele CA312705.